The following is an entry in ClinVar:

NM_001376.5(DYNC1H1):c.932A>T (p.His311Leu)

Gene: DYNC1H1 (dynein cytoplasmic 1 heavy chain 1; plus strand). Cytogenetic location: 14q32.31.
Variant type: single nucleotide variant.
Coding change: c.932A>T on transcript NM_001376.5 (MANE Select); coding-DNA position 932, A replaced by T.
Protein change: p.His311Leu; replaces histidine 311 with leucine.
Molecular consequence: missense variant.
Genome position (GRCh38, 1-based): chr14:101,980,521, A>T. VCF-style: chr14-101980521-A-T. GRCh37 (hg19) VCF-style: chr14-102446858-A-T.
Other names: short protein forms H311L.
Identifiers: ClinVar variation 2861382 (VCV002861382.3), dbSNP rs2503680789, ClinGen allele CA391010401.

ClinVar aggregate classification (germline): Uncertain significance (1 of 4 stars; one submission).

Conditions:
Charcot-Marie-Tooth disease axonal type 2O. Also called: Charcot-Marie-Tooth disease, axonal, type 20; CHARCOT-MARIE-TOOTH NEUROPATHY, AXONAL, TYPE 2O; CHARCOT-MARIE-TOOTH DISEASE, AXONAL, AUTOSOMAL DOMINANT, TYPE 2O; Charcot-Marie-Tooth Neuropathy Type 2O. Identifiers: Orphanet 284232, MedGen C3280220, MONDO:0013644, OMIM 614228.

Submission:

Labcorp Genetics (formerly Invitae), Labcorp
Classification: Uncertain significance for Charcot-Marie-Tooth disease axonal type 2O. Last evaluated: 2024-03-07. Review status: criteria provided, single submitter. Criteria: Invitae Variant Classification Sherloc (09022015). Collection method: clinical testing. Allele origin: germline.
Comment: This sequence change replaces histidine, which is basic and polar, with leucine, which is neutral and non-polar, at codon 311 of the DYNC1H1 protein (p.His311Leu). This variant is not present in population databases (gnomAD no frequency). This variant has not been reported in the literature in individuals affected with DYNC1H1-related conditions. Advanced modeling of protein sequence and biophysical properties (such as structural, functional, and spatial information, amino acid conservation, physicochemical variation, residue mobility, and thermodynamic stability) has been performed at Invitae for this missense variant, however the output from this modeling did not meet the statistical confidence thresholds required to predict the impact of this variant on DYNC1H1 protein function. In summary, the available evidence is currently insufficient to determine the role of this variant in disease. Therefore, it has been classified as a Variant of Uncertain Significance.